The following is an entry in ClinVar:

NM_007186.6(CEP250):c.482T>C (p.Met161Thr)

Gene: CEP250 (centrosomal protein 250; plus strand). Cytogenetic location: 20q11.22.
Variant type: single nucleotide variant.
Coding change: c.482T>C on transcript NM_007186.6 (MANE Select); coding-DNA position 482, T replaced by C.
Protein change: p.Met161Thr; replaces methionine 161 with threonine.
Molecular consequence: missense variant. On other transcripts: 5 prime UTR variant (1).
Genome position (GRCh38, 1-based): chr20:35,466,194, T>C. VCF-style: chr20-35466194-T-C. GRCh37 (hg19) VCF-style: chr20-34054019-T-C.
Other names: c.-1418T>C (NM_001318219.1); c.482T>C (NM_007186.3); short protein forms M161T.
Identifiers: ClinVar variation 843236 (VCV000843236.8), dbSNP rs140783729, ClinGen allele CA9832621.

ClinVar aggregate classification (germline): Uncertain significance. Review status: criteria provided, multiple submitters, no conflicts (2 of 4 stars). 3 submissions from 3 submitters: Uncertain significance (3). Last evaluated 2025-11-26.

Allele frequency attached by ClinVar (database versions not stated): gnomAD exomes 0.00002 and 0.00006; ExAC 0.00009; gnomAD 0.00018 and 0.00021; TOPMed 0.00022; ESP Exome Variant Server 0.00038.

Submissions (3):

Ambry Genetics
Classification: Uncertain significance. Last evaluated: 2025-11-26. Review status: criteria provided, single submitter. Criteria: Ambry Variant Classification Scheme 2023. Collection method: clinical testing. Allele origin: germline.

Labcorp Genetics (formerly Invitae), Labcorp
Classification: Uncertain significance. Last evaluated: 2025-11-10. Review status: criteria provided, single submitter. Criteria: Invitae Variant Classification Sherloc (09022015). Collection method: clinical testing. Allele origin: germline.
Comment: This sequence change replaces methionine, which is neutral and non-polar, with threonine, which is neutral and polar, at codon 161 of the CEP250 protein (p.Met161Thr). This variant is present in population databases (rs140783729, gnomAD 0.06%). This variant has not been reported in the literature in individuals affected with CEP250-related conditions. ClinVar contains an entry for this variant (Variation ID: 843236). An algorithm developed to predict the effect of missense changes on protein structure and function (PolyPhen-2) suggests that this variant is likely to be disruptive. In summary, the available evidence is currently insufficient to determine the role of this variant in disease. Therefore, it has been classified as a Variant of Uncertain Significance.

Blueprint Genetics
Classification: Uncertain significance. Last evaluated: 2024-06-25. Review status: criteria provided, single submitter. Criteria: ACMG Guidelines, 2015. Collection method: clinical testing. Allele origin: germline.